The following is an entry in ClinVar:

ClinVar aggregate classification (germline): Likely benign. Review status: criteria provided, multiple submitters, no conflicts (2 of 4 stars). 3 submissions from 3 submitters: Likely benign (2). 1 of the submissions does not count toward it. Last evaluated 2025-12-01.

Conditions:
SLX4-related disorder. Also called: SLX4-related condition.
Fanconi anemia (FA). Also called: Fanconi's anemia. Identifiers: Orphanet 84, MedGen C0015625, MeSH D005199, MONDO:0019391.

Allele frequency attached by ClinVar (database versions not stated): TOPMed below 0.00001; gnomAD exomes 0.00001 and 0.00004; ExAC 0.00002; gnomAD 0.00004.
gnomAD v4.1: 24 of 1,613,532 alleles (0.0015%); highest among the groups gnomAD compares: Admixed American, 0.022%; no homozygotes.

Submissions (3):

CeGaT Center for Human Genetics Tuebingen
Classification: Likely benign. Last evaluated: 2025-12-01. Review status: criteria provided, single submitter. Criteria: CeGaT Center For Human Genetics Tuebingen Variant Classification Criteria Version 2. Collection method: clinical testing. Allele origin: germline. Affected: yes. Observed: 2 variant alleles.
Comment: SLX4: BP4, BP7

Labcorp Genetics (formerly Invitae), Labcorp
Classification: Likely benign for Fanconi anemia. Last evaluated: 2025-04-11. Review status: criteria provided, single submitter. Criteria: Invitae Variant Classification Sherloc (09022015). Collection method: clinical testing. Allele origin: germline.

PreventionGenetics, part of Exact Sciences
Classification: Likely benign for SLX4-related condition. Last evaluated: 2019-03-22. Review status: no assertion criteria provided. Collection method: clinical testing. Allele origin: germline. Not counted in ClinVar's aggregate classification.
Comment: This variant is classified as likely benign based on ACMG/AMP sequence variant interpretation guidelines (Richards et al. 2015 PMID: 25741868, with internal and published modifications).

NM_032444.4(SLX4):c.3873G>A (p.Thr1291=)

Gene: SLX4 (SLX4 structure-specific endonuclease subunit; minus strand). Cytogenetic location: 16p13.3.
Variant type: single nucleotide variant.
Coding change: c.3873G>A on transcript NM_032444.4 (MANE Select); coding-DNA position 3873, G replaced by A.
Protein change: p.Thr1291=; no amino-acid change (threonine 1291 retained).
Molecular consequence: synonymous variant.
Genome position (GRCh38, 1-based): chr16:3,589,765, C>T on the plus strand (G>A on the coding strand, the complement: SLX4 is on the minus strand). VCF-style: chr16-3589765-C-T. GRCh37 (hg19) VCF-style: chr16-3639766-C-T.
Other names: c.3873G>A (NM_032444.3).
Identifiers: ClinVar variation 703712 (VCV000703712.50), dbSNP rs751302297, ClinGen allele CA7865802.